The following is an entry in ClinVar:

NM_004991.4(MECOM):c.713C>A (p.Ala238Glu)

Gene: MECOM (MDS1 and EVI1 complex locus; minus strand). Cytogenetic location: 3q26.2.
Variant type: single nucleotide variant.
Coding change: c.713C>A on transcript NM_004991.4 (MANE Select); coding-DNA position 713, C replaced by A.
Protein change: p.Ala238Glu; replaces alanine 238 with glutamic acid.
Molecular consequence: missense variant.
Genome position (GRCh38, 1-based): chr3:169,127,961, G>T on the plus strand (C>A on the coding strand, the complement: MECOM is on the minus strand). VCF-style: chr3-169127961-G-T. GRCh37 (hg19) VCF-style: chr3-168845749-G-T.
Other names: c.341C>A, p.Ala114Glu (NM_001105077.4); c.149C>A, p.Ala50Glu (NM_001105078.4, NM_001163999.2, NM_001164000.2 and 9 more transcripts); c.713C>A, p.Ala238Glu (NM_001366466.2, NM_001366473.2); short protein forms A114E, A50E, A238E.
Identifiers: ClinVar variation 4105817 (VCV004105817.1).

ClinVar aggregate classification (germline): Uncertain significance (1 of 4 stars; one submission).

Conditions:
Inborn genetic diseases. Identifiers: MedGen C0950123, MeSH D030342.

Submission:

Ambry Genetics
Classification: Uncertain significance for Inborn genetic diseases. Last evaluated: 2025-08-02. Review status: criteria provided, single submitter. Criteria: Ambry Variant Classification Scheme 2023. Collection method: clinical testing. Allele origin: germline.
Comment: The p.A238E variant (also known as c.713C>A), located in coding exon 5 of the MECOM gene, results from a C to A substitution at nucleotide position 713. The alanine at codon 238 is replaced by glutamic acid, an amino acid with dissimilar properties. This amino acid position is conserved. In addition, this alteration is predicted to be tolerated by in silico analysis. Based on the available evidence, the clinical significance of this variant remains unclear.